The following is an entry in ClinVar:

ClinVar aggregate classification (germline): Uncertain significance. Review status: criteria provided, multiple submitters, no conflicts (2 of 4 stars). 2 submissions from 2 submitters: Uncertain significance (2). Last evaluated 2024-10-17.

Allele frequency attached by ClinVar (database versions not stated): ExAC 0.00004; gnomAD exomes 0.00004; gnomAD 0.00007; TOPMed 0.00008.
gnomAD v4.1: 71 of 1,546,640 alleles (0.0046%); highest among the groups gnomAD compares: African/African-American, 0.015%; no homozygotes.

Submissions (2):

Labcorp Genetics (formerly Invitae), Labcorp
Classification: Uncertain significance. Last evaluated: 2024-10-17. Review status: criteria provided, single submitter. Criteria: Invitae Variant Classification Sherloc (09022015). Collection method: clinical testing. Allele origin: germline.
Comment: This sequence change replaces valine, which is neutral and non-polar, with isoleucine, which is neutral and non-polar, at codon 271 of the FSCN2 protein (p.Val271Ile). This variant is present in population databases (rs781785957, gnomAD 0.02%). This variant has not been reported in the literature in individuals affected with FSCN2-related conditions. ClinVar contains an entry for this variant (Variation ID: 2184951). An algorithm developed to predict the effect of missense changes on protein structure and function (PolyPhen-2) suggests that this variant is likely to be tolerated. In summary, the available evidence is currently insufficient to determine the role of this variant in disease. Therefore, it has been classified as a Variant of Uncertain Significance.

Ambry Genetics
Classification: Uncertain significance. Last evaluated: 2024-09-30. Review status: criteria provided, single submitter. Criteria: Ambry Variant Classification Scheme 2023. Collection method: clinical testing. Allele origin: germline.

NM_012418.4(FSCN2):c.811G>A (p.Val271Ile)

Gene: FSCN2 (fascin actin-bundling protein 2, retinal; plus strand). Cytogenetic location: 17q25.3.
Variant type: single nucleotide variant.
Coding change: c.811G>A on transcript NM_012418.4 (MANE Select); coding-DNA position 811, G replaced by A.
Protein change: p.Val271Ile; replaces valine 271 with isoleucine.
Molecular consequence: missense variant.
Genome position (GRCh38, 1-based): chr17:81,529,342, G>A. VCF-style: chr17-81529342-G-A. GRCh37 (hg19) VCF-style: chr17-79496368-G-A.
Other names: c.811G>A (NM_001077182.2); c.811G>A, p.Val271Ile (NM_001077182.3); short protein forms V271I.
Identifiers: ClinVar variation 2184951 (VCV002184951.5), dbSNP rs781785957, ClinGen allele CA8836783.
Genomic context (GRCh38, chr17:81,529,342, plus strand): 5'-CTCTTTGATCTGGAGGAGAGTCACCCACAGGTGGTGCTGGTGGCTGCCAACCACCGCTAC[G>A]TCTCTGTGCGGCAAGGTAGGGAGGGCACAGGTGGCGACCTCCTGAGGGGTGCTGGGACCC-3'
Protein context (NP_036550.1, residues 261-281): VVLVAANHRY[Val271Ile]SVRQGVNVSA